The following is an entry in ClinVar:

ClinVar aggregate classification (germline): Uncertain significance (1 of 4 stars; one submission).

Conditions:
SCLT1-related disorder. Also called: SCLT1-related condition.

Submission:

PreventionGenetics, part of Exact Sciences
Classification: Uncertain significance for SCLT1-related condition. Last evaluated: 2024-10-13. Review status: criteria provided, single submitter. Criteria: ACMG Guidelines, 2015. Collection method: clinical testing. Allele origin: germline.
Comment: The SCLT1 c.1429C>G variant is predicted to result in the amino acid substitution p.Leu477Val. To our knowledge, this variant has not been reported in the literature or in a large population database (gnomAD), indicating this variant is rare. At this time, the clinical significance of this variant is uncertain due to the absence of conclusive functional and genetic evidence.

NM_144643.4(SCLT1):c.1429C>G (p.Leu477Val)

Gene: SCLT1 (sodium channel and clathrin linker 1; minus strand). Cytogenetic location: 4q28.2.
Variant type: single nucleotide variant.
Coding change: c.1429C>G on transcript NM_144643.4 (MANE Select); coding-DNA position 1429, C replaced by G.
Protein change: p.Leu477Val; replaces leucine 477 with valine.
Molecular consequence: missense variant.
Genome position (GRCh38, 1-based): chr4:128,946,017, G>C on the plus strand (C>G on the coding strand, the complement: SCLT1 is on the minus strand). VCF-style: chr4-128946017-G-C. GRCh37 (hg19) VCF-style: chr4-129867172-G-C.
Other names: c.1429C>G, p.Leu477Val (NM_001410807.1); short protein forms L477V.
Identifiers: ClinVar variation 5001920 (VCV005001920.1).